The following is an entry in ClinVar:

NM_024408.4(NOTCH2):c.6659C>G (p.Ser2220Ter)

Gene: NOTCH2 (notch receptor 2; minus strand). Cytogenetic location: 1p12.
Variant type: single nucleotide variant.
Coding change: c.6659C>G on transcript NM_024408.4 (MANE Select); coding-DNA position 6659, C replaced by G.
Protein change: p.Ser2220Ter; replaces serine 2220 with a stop codon.
Molecular consequence: nonsense.
Genome position (GRCh38, 1-based): chr1:119,916,063, G>C on the plus strand (C>G on the coding strand, the complement: NOTCH2 is on the minus strand). VCF-style: chr1-119916063-G-C. GRCh37 (hg19) VCF-style: chr1-120458686-G-C.
Other names: short protein forms S2220*.
Identifiers: ClinVar variation 280845 (VCV000280845.2), dbSNP rs886041979, ClinGen allele CA10602730.

ClinVar aggregate classification (germline): Pathogenic (1 of 4 stars; one submission).

Submission:

GeneDx
Classification: Pathogenic. Last evaluated: 2016-09-14. Review status: criteria provided, single submitter. Criteria: GeneDx Variant Classification (06012015). Collection method: clinical testing. Allele origin: germline. Affected: yes.
Comment: The S2220X pathogenic variant in the NOTCH2 gene has not been reported previously as a pathogenic variant nor as a benign variant, to our knowledge. This variant is predicted to cause loss of normal protein function through protein truncation. The S2220X variant was not observed in approximately 6,500 individuals of European and African American ancestry in the NHLBI Exome Sequencing Project, indicating it is not a common benign variant in these populations. We interpret S2220X as a pathogenic variant.